The following is an entry in ClinVar:

ClinVar aggregate classification (germline): Uncertain significance. Review status: criteria provided, multiple submitters, no conflicts (2 of 4 stars). 2 submissions from 2 submitters: Uncertain significance (2). Last evaluated 2025-07-30.

Conditions:
Developmental and epileptic encephalopathy 94 (DEE94). Also called: Epileptic encephalopathy, childhood-onset; CHD2-Related Neurodevelopmental Disorders. Identifiers: Orphanet 1942, Orphanet 2382, MedGen C3809278, MONDO:0014150, OMIM 615369.

Allele frequency attached by ClinVar (database versions not stated): gnomAD exomes below 0.00001; ExAC 0.00001.

Submissions (2):

Labcorp Genetics (formerly Invitae), Labcorp
Classification: Uncertain significance for Developmental and epileptic encephalopathy 94. Last evaluated: 2025-07-30. Review status: criteria provided, single submitter. Criteria: Invitae Variant Classification Sherloc (09022015). Collection method: clinical testing. Allele origin: germline.
Comment: This sequence change replaces arginine, which is basic and polar, with tryptophan, which is neutral and slightly polar, at codon 1503 of the CHD2 protein (p.Arg1503Trp). This variant is present in population databases (rs764680752, gnomAD 0.003%). This missense change has been observed in individual(s) with clinical features of CHD2-related conditions (PMID: 28191889, 29455050, 29933521, 31031587). ClinVar contains an entry for this variant (Variation ID: 941187). Invitae Evidence Modeling of protein sequence and biophysical properties (such as structural, functional, and spatial information, amino acid conservation, physicochemical variation, residue mobility, and thermodynamic stability) has been performed for this missense variant. However, the output from this modeling did not meet the statistical confidence thresholds required to predict the impact of this variant on CHD2 protein function. In summary, the available evidence is currently insufficient to determine the role of this variant in disease. Therefore, it has been classified as a Variant of Uncertain Significance.

GeneDx
Classification: Uncertain significance. Last evaluated: 2023-06-13. Review status: criteria provided, single submitter. Criteria: GeneDx Variant Classification Process June 2021. Collection method: clinical testing. Allele origin: germline. Affected: yes.
Comment: Identified in an individual with early-onset developmental and epileptic encephalopathy in published literature (Ko et al., 2018); Identified as a maternally inherited variant in an individual with global developmental delay and epilepsy in published literature; however, another de novo variant in CHD2 was also identified in this individual (Peng et al., 2019); In silico analysis supports that this missense variant has a deleterious effect on protein structure/function; This variant is associated with the following publications: (PMID: 33004838, 28191889, 31031587, 29933521, 29455050)

Literature cited by the submitters: PubMed 28191889 (cited by Labcorp Genetics (formerly Invitae), Labcorp); PubMed 29455050 (cited by Labcorp Genetics (formerly Invitae), Labcorp); PubMed 29933521 (cited by Labcorp Genetics (formerly Invitae), Labcorp); PubMed 31031587 (cited by Labcorp Genetics (formerly Invitae), Labcorp).

NM_001271.4(CHD2):c.4507C>T (p.Arg1503Trp)

Gene: CHD2 (chromodomain helicase DNA binding protein 2; plus strand). Cytogenetic location: 15q26.1.
Variant type: single nucleotide variant.
Coding change: c.4507C>T on transcript NM_001271.4 (MANE Select); coding-DNA position 4507, C replaced by T.
Protein change: p.Arg1503Trp; replaces arginine 1503 with tryptophan.
Molecular consequence: missense variant.
Genome position (GRCh38, 1-based): chr15:93,009,238, C>T. VCF-style: chr15-93009238-C-T. GRCh37 (hg19) VCF-style: chr15-93552468-C-T.
Other names: short protein forms R1503W.
Identifiers: ClinVar variation 941187 (VCV000941187.8), dbSNP rs764680752, ClinGen allele CA7748489.